The following is an entry in ClinVar:

NM_032119.4(ADGRV1):c.3484G>A (p.Ala1162Thr)

Gene: ADGRV1 (adhesion G protein-coupled receptor V1; plus strand). Cytogenetic location: 5q14.3.
Variant type: single nucleotide variant.
Coding change: c.3484G>A on transcript NM_032119.4 (MANE Select); coding-DNA position 3484, G replaced by A.
Protein change: p.Ala1162Thr; replaces alanine 1162 with threonine.
Molecular consequence: missense variant. On other transcripts: non-coding transcript variant (1).
Genome position (GRCh38, 1-based): chr5:90,652,413, G>A. VCF-style: chr5-90652413-G-A. GRCh37 (hg19) VCF-style: chr5-89948230-G-A.
Other names: short protein forms A1162T.
Identifiers: ClinVar variation 1046287 (VCV001046287.7), dbSNP rs1473614489, ClinGen allele CA360397454.

ClinVar aggregate classification (germline): Uncertain significance (1 of 4 stars; one submission).

gnomAD v4.1: 24 of 1,612,544 alleles (0.0015%); highest among the groups gnomAD compares: East Asian, 0.051%; no homozygotes.

Submission:

Labcorp Genetics (formerly Invitae), Labcorp
Classification: Uncertain significance. Last evaluated: 2025-11-17. Review status: criteria provided, single submitter. Criteria: Invitae Variant Classification Sherloc (09022015). Collection method: clinical testing. Allele origin: germline.
Comment: This sequence change replaces alanine, which is neutral and non-polar, with threonine, which is neutral and polar, at codon 1162 of the ADGRV1 protein (p.Ala1162Thr). This variant is present in population databases (no rsID available, gnomAD no frequency). This variant has not been reported in the literature in individuals affected with ADGRV1-related conditions. ClinVar contains an entry for this variant (Variation ID: 1046287). Invitae Evidence Modeling of protein sequence and biophysical properties (such as structural, functional, and spatial information, amino acid conservation, physicochemical variation, residue mobility, and thermodynamic stability) indicates that this missense variant is not expected to disrupt ADGRV1 protein function with a negative predictive value of 95%. In summary, the available evidence is currently insufficient to determine the role of this variant in disease. Therefore, it has been classified as a Variant of Uncertain Significance.